The following is an entry in ClinVar:

NM_025207.5(FLAD1):c.1253C>T (p.Ala418Val)

Gene: FLAD1 (flavin adenine dinucleotide synthetase 1; plus strand). Cytogenetic location: 1q21.3.
Variant type: single nucleotide variant.
Coding change: c.1253C>T on transcript NM_025207.5 (MANE Select); coding-DNA position 1253, C replaced by T.
Protein change: p.Ala418Val; replaces alanine 418 with valine.
Molecular consequence: missense variant.
Genome position (GRCh38, 1-based): chr1:154,989,695, C>T. VCF-style: chr1-154989695-C-T. GRCh37 (hg19) VCF-style: chr1-154962171-C-T.
Other names: c.962C>T, p.Ala321Val (NM_001184891.2, NM_201398.3); short protein forms A418V, A321V.
Identifiers: ClinVar variation 2079498 (VCV002079498.4), dbSNP rs1170877154, ClinGen allele CA342751329.

ClinVar aggregate classification (germline): Uncertain significance (1 of 4 stars; one submission).

Allele frequency attached by ClinVar (database versions not stated): gnomAD exomes 0.00001; TOPMed 0.00002; gnomAD 0.00003.
gnomAD v4.1: 11 of 1,548,400 alleles (0.00071%); highest among the groups gnomAD compares: Admixed American, 0.0019%; no homozygotes.

Submission:

Labcorp Genetics (formerly Invitae), Labcorp
Classification: Uncertain significance. Last evaluated: 2025-10-28. Review status: criteria provided, single submitter. Criteria: Invitae Variant Classification Sherloc (09022015). Collection method: clinical testing. Allele origin: germline.
Comment: This sequence change replaces alanine, which is neutral and non-polar, with valine, which is neutral and non-polar, at codon 418 of the FLAD1 protein (p.Ala418Val). The frequency data for this variant in the population databases is considered unreliable, as metrics indicate poor data quality at this position in the gnomAD database. This variant has not been reported in the literature in individuals affected with FLAD1-related conditions. ClinVar contains an entry for this variant (Variation ID: 2079498). An algorithm developed to predict the effect of missense changes on protein structure and function (PolyPhen-2) suggests that this variant is likely to be disruptive. In summary, the available evidence is currently insufficient to determine the role of this variant in disease. Therefore, it has been classified as a Variant of Uncertain Significance.